The following is an entry in ClinVar:

ClinVar aggregate classification (germline): Conflicting classifications of pathogenicity. Review status: criteria provided, conflicting classifications (1 of 4 stars). 2 submissions from 2 submitters: Uncertain significance (1); Likely benign (1). Last evaluated 2025-12-09.

Conditions:
Inborn genetic diseases. Identifiers: MedGen C0950123, MeSH D030342.

Allele frequency attached by ClinVar (database versions not stated): gnomAD exomes 0.00002 and below 0.00001; ExAC 0.00002; gnomAD 0.00002; TOPMed below 0.00001; 1000 Genomes Project 30x 0.00031; 1000 Genomes Project 0.00040.

Submissions (2):

Ambry Genetics
Classification: Likely benign for Inborn genetic diseases. Last evaluated: 2025-12-09. Review status: criteria provided, single submitter. Criteria: Ambry Variant Classification Scheme 2023. Collection method: clinical testing. Allele origin: germline.

Labcorp Genetics (formerly Invitae), Labcorp
Classification: Uncertain significance. Last evaluated: 2024-08-12. Review status: criteria provided, single submitter. Criteria: Invitae Variant Classification Sherloc (09022015). Collection method: clinical testing. Allele origin: germline.
Comment: This sequence change replaces arginine, which is basic and polar, with cysteine, which is neutral and slightly polar, at codon 102 of the CAD protein (p.Arg102Cys). This variant is present in population databases (rs190254898, gnomAD 0.007%). This missense change has been observed in individual(s) with Lennox-Gastaut syndrome (Invitae). ClinVar contains an entry for this variant (Variation ID: 1504932). An algorithm developed to predict the effect of missense changes on protein structure and function outputs the following: PolyPhen-2: "Benign". The cysteine amino acid residue is found in multiple mammalian species, which suggests that this missense change does not adversely affect protein function. In summary, the available evidence is currently insufficient to determine the role of this variant in disease. Therefore, it has been classified as a Variant of Uncertain Significance.

NM_004341.5(CAD):c.304C>T (p.Arg102Cys)

Gene: CAD (carbamoyl-phosphate synthetase 2, aspartate transcarbamylase, and dihydroorotase; plus strand). Cytogenetic location: 2p23.3.
Variant type: single nucleotide variant.
Coding change: c.304C>T on transcript NM_004341.5 (MANE Select); coding-DNA position 304, C replaced by T.
Protein change: p.Arg102Cys; replaces arginine 102 with cysteine.
Molecular consequence: missense variant.
Genome position (GRCh38, 1-based): chr2:27,221,299, C>T. VCF-style: chr2-27221299-C-T. GRCh37 (hg19) VCF-style: chr2-27444167-C-T.
Other names: c.304C>T, p.Arg102Cys (NM_001306079.2); c.304C>T (NM_004341.3); short protein forms R102C.
Identifiers: ClinVar variation 1504932 (VCV001504932.7), dbSNP rs190254898, ClinGen allele CA1572375.